The following is an entry in ClinVar:

NM_001001557.4(GDF6):c.478_479delinsAT (p.Glu160Met)

Gene: GDF6 (growth differentiation factor 6; minus strand). Cytogenetic location: 8q22.1.
Variant type: Indel.
Coding change: c.478_479delinsAT on transcript NM_001001557.4 (MANE Select); coding-DNA positions 478 to 479, GA replaced by AT.
Protein change: p.Glu160Met; replaces glutamic acid 160 with methionine.
Molecular consequence: missense variant.
Genome position (GRCh38, 1-based): chr8:96,145,452-96,145,453, TC replaced by AT on the plus strand (GA replaced by AT on the coding strand, the reverse complement: GDF6 is on the minus strand). VCF-style: chr8-96145452-TC-AT. GRCh37 (hg19) VCF-style: chr8-97157680-TC-AT.
Other names: short protein forms E160M.
Identifiers: ClinVar variation 3752633 (VCV003752633.2).

ClinVar aggregate classification (germline): Uncertain significance (1 of 4 stars; one submission).

Conditions:
Klippel-Feil syndrome 1, autosomal dominant (KFS1). Also called: CERVICAL VERTEBRAL FUSION, AUTOSOMAL DOMINANT. Identifiers: Orphanet 2345, MedGen C1861689, MONDO:0007306, OMIM 118100.
Isolated microphthalmia 4. Identifiers: Orphanet 2542, MedGen C2751307, MONDO:0013130, OMIM 613094.
Leber congenital amaurosis 17 (LCA17). Identifiers: Orphanet 65, MedGen C3715164, MONDO:0014145, OMIM 615360.
Microphthalmia, isolated, with coloboma 6 (MCOPCB6). Also called: MICROPHTHALMIA/COLOBOMA 6; Microphthalmia with coloboma 6, digenic; Microphthalmia with coloboma 6. Identifiers: Orphanet 98938, MedGen C3150968, MONDO:0013376, OMIM 613703.

Submission:

Labcorp Genetics (formerly Invitae), Labcorp
Classification: Uncertain significance for Isolated microphthalmia 4; Leber congenital amaurosis 17; Klippel-Feil syndrome 1, autosomal dominant; Microphthalmia, isolated, with coloboma 6. Last evaluated: 2025-01-07. Review status: criteria provided, single submitter. Criteria: Invitae Variant Classification Sherloc (09022015). Collection method: clinical testing. Allele origin: germline.
Comment: This sequence change replaces glutamic acid, which is acidic and polar, with methionine, which is neutral and non-polar, at codon 160 of the GDF6 protein (p.Glu160Met). This variant is present in population databases (no rsID available, gnomAD 0.0004%). This variant has not been reported in the literature in individuals affected with GDF6-related conditions. An algorithm developed to predict the effect of missense changes on protein structure and function (PolyPhen-2) suggests that this variant is likely to be disruptive. In summary, the available evidence is currently insufficient to determine the role of this variant in disease. Therefore, it has been classified as a Variant of Uncertain Significance.